The following is an entry in ClinVar:

ClinVar aggregate classification (germline): Uncertain significance. Review status: criteria provided, multiple submitters, no conflicts (2 of 4 stars). 2 submissions from 2 submitters: Uncertain significance (2). Last evaluated 2023-03-08.

Conditions:
Hereditary cancer-predisposing syndrome. Also called: Neoplastic Syndromes, Hereditary; Tumor predisposition; Hereditary Cancer Syndrome; Hereditary neoplastic syndrome. Identifiers: Orphanet 140162, MedGen C0027672, MeSH D009386, MONDO:0015356.
DICER1-related tumor predisposition. Also called: DICER1 syndrome; DICER1-related pleuropulmonary blastoma cancer predisposition syndrome. Identifiers: Orphanet 284343, MedGen C3839822, MONDO:0100216.

Submissions (2):

Labcorp Genetics (formerly Invitae), Labcorp
Classification: Uncertain significance for DICER1-related tumor predisposition. Last evaluated: 2023-03-08. Review status: criteria provided, single submitter. Criteria: Invitae Variant Classification Sherloc (09022015). Collection method: clinical testing. Allele origin: germline.
Comment: This variant has not been reported in the literature in individuals affected with DICER1-related conditions. This variant is not present in population databases (gnomAD no frequency). This sequence change replaces asparagine, which is neutral and polar, with aspartic acid, which is acidic and polar, at codon 403 of the DICER1 protein (p.Asn403Asp). ClinVar contains an entry for this variant (Variation ID: 1749040). In summary, the available evidence is currently insufficient to determine the role of this variant in disease. Therefore, it has been classified as a Variant of Uncertain Significance. An algorithm developed to predict the effect of missense changes on protein structure and function (PolyPhen-2) suggests that this variant is likely to be tolerated.

Ambry Genetics
Classification: Uncertain significance for Hereditary cancer-predisposing syndrome. Last evaluated: 2019-05-31. Review status: criteria provided, single submitter. Criteria: Ambry Variant Classification Scheme 2023. Collection method: clinical testing. Allele origin: germline.
Comment: The p.N403D variant (also known as c.1207A>G), located in coding exon 7 of the DICER1 gene, results from an A to G substitution at nucleotide position 1207. The asparagine at codon 403 is replaced by aspartic acid, an amino acid with highly similar properties. This amino acid position is highly conserved in available vertebrate species. In addition, this alteration is predicted to be tolerated by in silico analysis. Since supporting evidence is limited at this time, the clinical significance of this alteration remains unclear.

NM_177438.3(DICER1):c.1207A>G (p.Asn403Asp)

Gene: DICER1 (dicer 1, ribonuclease III; minus strand). Cytogenetic location: 14q32.13.
Variant type: single nucleotide variant.
Coding change: c.1207A>G on transcript NM_177438.3 (MANE Select); coding-DNA position 1207, A replaced by G.
Protein change: p.Asn403Asp; replaces asparagine 403 with aspartic acid.
Molecular consequence: missense variant. On other transcripts: 5 prime UTR variant (1), non-coding transcript variant (6).
Genome position (GRCh38, 1-based): chr14:95,124,365, T>C on the plus strand (A>G on the coding strand, the complement: DICER1 is on the minus strand). VCF-style: chr14-95124365-T-C. GRCh37 (hg19) VCF-style: chr14-95590702-T-C.
Other names: c.1207A>G, p.Asn403Asp (NM_001195573.1, NM_001271282.3, NM_001291628.2 and 15 more transcripts); c.925A>G, p.Asn309Asp (NM_001395686.1); c.802A>G, p.Asn268Asp (NM_001395687.1, NM_001395688.1, NM_001395689.1 and 3 more transcripts); c.640A>G, p.Asn214Asp (NM_001395691.1); c.-362A>G (NM_001395697.1); short protein forms N214D, N309D, N403D, N268D.
Identifiers: ClinVar variation 1749040 (VCV001749040.5), dbSNP rs2543176359, ClinGen allele CA390886698.
Genomic context (GRCh38, chr14:95,124,365, plus strand): 5'-CTTCATCCTCATCATCATCCTCAGAATCACTCCATGACACATAATTATCCTGATTTCTAT[T>C]ATTATACCACTCAACGCTTTCAAACTGCTGTCGCTCATATGGTTTATATTTGCGTAAGAT-3'
Protein context (NP_803187.1, residues 393-413): QQFESVEWYN[Asn403Asp]RNQDNYVSWS